The following is an entry in ClinVar:

ClinVar aggregate classification (germline): Uncertain significance. Review status: criteria provided, multiple submitters, no conflicts (2 of 4 stars). 5 submissions from 5 submitters: Uncertain significance (5). Last evaluated 2026-09-01.

Conditions:
Neurodegeneration with brain iron accumulation 6 (NBIA6). Also called: COASY protein-associated neurodegeneration. Identifiers: Orphanet 397725, MedGen C4517377, MONDO:0014290, OMIM 615643.

Allele frequency attached by ClinVar (database versions not stated): TOPMed 0.00003; gnomAD 0.00004 and 0.00005; ESP Exome Variant Server 0.00008.

Submissions (5):

CeGaT Center for Human Genetics Tuebingen
Classification: Uncertain significance. Last evaluated: 2026-09-01. Review status: criteria provided, single submitter. Criteria: CeGaT Center For Human Genetics Tuebingen Variant Classification Criteria Version 2. Collection method: clinical testing. Allele origin: germline. Affected: yes. Observed: 1 variant allele.
Comment: COASY: PM2

GeneDx
Classification: Uncertain significance. Last evaluated: 2025-04-29. Review status: criteria provided, single submitter. Criteria: GeneDx Variant Classification Process June 2021. Collection method: clinical testing. Allele origin: germline. Affected: yes.
Comment: Not observed at significant frequency in large population cohorts (gnomAD); In silico analysis supports that this missense variant has a deleterious effect on protein structure/function; Has not been previously published as pathogenic or benign to our knowledge

Ambry Genetics
Classification: Uncertain significance. Last evaluated: 2024-10-29. Review status: criteria provided, single submitter. Criteria: Ambry Variant Classification Scheme 2023. Collection method: clinical testing. Allele origin: germline.

Labcorp Genetics (formerly Invitae), Labcorp
Classification: Uncertain significance for Neurodegeneration with brain iron accumulation 6. Last evaluated: 2024-10-22. Review status: criteria provided, single submitter. Criteria: Invitae Variant Classification Sherloc (09022015). Collection method: clinical testing. Allele origin: germline.
Comment: This sequence change replaces tyrosine, which is neutral and polar, with cysteine, which is neutral and slightly polar, at codon 38 of the COASY protein (p.Tyr38Cys). This variant is present in population databases (rs372825682, gnomAD 0.008%). This variant has not been reported in the literature in individuals affected with COASY-related conditions. ClinVar contains an entry for this variant (Variation ID: 646524). Invitae Evidence Modeling of protein sequence and biophysical properties (such as structural, functional, and spatial information, amino acid conservation, physicochemical variation, residue mobility, and thermodynamic stability) has been performed for this missense variant. However, the output from this modeling did not meet the statistical confidence thresholds required to predict the impact of this variant on COASY protein function. In summary, the available evidence is currently insufficient to determine the role of this variant in disease. Therefore, it has been classified as a Variant of Uncertain Significance.

Baylor Genetics
Classification: Uncertain significance for Neurodegeneration with brain iron accumulation 6. Last evaluated: 2020-03-17. Review status: criteria provided, single submitter. Criteria: ACMG Guidelines, 2015. Collection method: clinical testing. Allele origin: de novo. Affected: yes.
Comment: This variant was determined to be of uncertain significance according to ACMG Guidelines, 2015 [PMID:25741868].

NM_025233.7(COASY):c.113A>G (p.Tyr38Cys)

Gene: COASY (Coenzyme A synthase; plus strand). Cytogenetic location: 17q21.2.
Variant type: single nucleotide variant.
Coding change: c.113A>G on transcript NM_025233.7 (MANE Select); coding-DNA position 113, A replaced by G.
Protein change: p.Tyr38Cys; replaces tyrosine 38 with cysteine.
Molecular consequence: missense variant.
Genome position (GRCh38, 1-based): chr17:42,562,735, A>G. VCF-style: chr17-42562735-A-G. GRCh37 (hg19) VCF-style: chr17-40714753-A-G.
Other names: c.200A>G (NM_001042532.2); c.113A>G, p.Tyr38Cys (NM_001042529.3); c.200A>G, p.Tyr67Cys (NM_001042532.4); short protein forms Y38C, Y67C.
Identifiers: ClinVar variation 646524 (VCV000646524.11), dbSNP rs372825682, ClinGen allele CA8577915.
Genomic context (GRCh38, chr17:42,562,735, plus strand): 5'-TAGCCCCTCGCCTGGCCTCCATCCTGACCTCGGCGGCCCGGCTGGTGAATCACACACTCT[A>G]TGTTCACCTGCAGCCGGGCATGAGCCTGGAGGGCCCGGCTCAGCCCCAGTCCAGCCCCGT-3'
Protein context (NP_079509.5, residues 28-48): SAARLVNHTL[Tyr38Cys]VHLQPGMSLE